The following is an entry in ClinVar:

NM_005559.4(LAMA1):c.2823del (p.Leu942fs)

Gene: LAMA1 (laminin subunit alpha 1; minus strand). Cytogenetic location: 18p11.31.
Variant type: Deletion.
Coding change: c.2823del on transcript NM_005559.4 (MANE Select); coding-DNA position 2823, one base deleted (G; older notation c.2823delG).
Protein change: p.Leu942fs; shifts the reading frame from leucine 942.
Molecular consequence: frameshift variant.
Genome position (GRCh38, 1-based): chr18:7,016,657, C deleted on the plus strand (G on the coding strand, the reverse complement: LAMA1 is on the minus strand); the first of 3 consecutive C bases (chr18:7,016,657-7,016,659); deleting any one gives the same sequence. VCF-style (leftmost placement, unchanged base first): chr18-7016656-GC-G. GRCh37 (hg19) VCF-style: chr18-7016655-GC-G.
Other names: c.2823delG (NM_005559.4); short protein forms L942fs.
Identifiers: ClinVar variation 4689186 (VCV004689186.1).

ClinVar aggregate classification (germline): Pathogenic (1 of 4 stars; one submission).

Conditions:
Ataxia - intellectual disability - oculomotor apraxia - cerebellar cysts syndrome. Also called: Poretti-Boltshauser syndrome. Identifiers: Orphanet 370022, MedGen C4014821, MONDO:0014419, OMIM 615960.

Submission:

Women's Health and Genetics/Laboratory Corporation of America, LabCorp
Classification: Pathogenic for Ataxia - intellectual disability - oculomotor apraxia - cerebellar cysts syndrome. Last evaluated: 2026-01-21. Review status: criteria provided, single submitter. Criteria: LabCorp Variant Classification Summary - May 2015. Collection method: clinical testing. Allele origin: germline.
Comment: Variant summary: LAMA1 c.2823delG (p.Leu942TrpfsX82) results in a premature termination codon, predicted to cause a truncation of the encoded protein or absence of the protein due to nonsense mediated decay, which are commonly known mechanisms for disease. The frequency data for this variant in gnomAD is considered unreliable, as metrics indicate poor data quality at this position. To our knowledge, no occurrence of c.2823delG in individuals affected with LAMA1-related conditions and no experimental evidence demonstrating its impact on protein function have been reported. No submitters have cited clinical-significance assessments for this variant to ClinVar. Based on the evidence outlined above, the variant was classified as pathogenic.